The following is an entry in ClinVar:

ClinVar aggregate classification (germline): Uncertain significance (1 of 4 stars; one submission).

Conditions:
Muscular dystrophy-dystroglycanopathy (congenital with brain and eye anomalies), type a, 11 (MDDGA11). Also called: WALKER-WARBURG SYNDROME OR MUSCLE-EYE-BRAIN DISEASE, B3GALNT2-RELATED; Congenital muscular dystrophy-dystroglycanopathy with brain and eye anomalies, type A11; Muscular dystrophy-dystroglycanopathy (congenital with brain and eye anomalies, type A, 11. Identifiers: Orphanet 588, Orphanet 899, MedGen C3554638, MONDO:0014071, OMIM 615181.

Submission:

Labcorp Genetics (formerly Invitae), Labcorp
Classification: Uncertain significance for Muscular dystrophy-dystroglycanopathy (congenital with brain and eye anomalies), type a, 11. Last evaluated: 2017-06-17. Review status: criteria provided, single submitter. Criteria: Invitae Variant Classification Sherloc (09022015). Collection method: clinical testing. Allele origin: germline.
Comment: In summary, this variant has uncertain impact on B3GALNT2 function. The available evidence is currently insufficient to determine its role in disease. Therefore, it has been classified as a Variant of Uncertain Significance. Algorithms developed to predict the effect of sequence changes on RNA splicing suggest that this variant may create or strengthen a splice site, but this prediction has not been confirmed by published transcriptional studies. Algorithms developed to predict the effect of missense changes on protein structure and function (SIFT, PolyPhen-2, Align-GVGD) all suggest that this variant is likely to be tolerated, but these predictions have not been confirmed by published functional studies and their clinical significance is uncertain. This variant has not been reported in the literature in individuals with a B3GALNT2-related disease. This variant is not present in population databases (ExAC no frequency). This sequence change replaces isoleucine with phenylalanine at codon 370 of the B3GALNT2 protein (p.Ile370Phe). The isoleucine residue is moderately conserved and there is a small physicochemical difference between isoleucine and phenylalanine.

NM_152490.5(B3GALNT2):c.1108A>T (p.Ile370Phe)

Gene: B3GALNT2 (beta-1,3-N-acetylgalactosaminyltransferase 2; minus strand). Cytogenetic location: 1q42.3.
Variant type: single nucleotide variant.
Coding change: c.1108A>T on transcript NM_152490.5 (MANE Select); coding-DNA position 1108, A replaced by T.
Protein change: p.Ile370Phe; replaces isoleucine 370 with phenylalanine.
Molecular consequence: missense variant.
Genome position (GRCh38, 1-based): chr1:235,455,602, T>A on the plus strand (A>T on the coding strand, the complement: B3GALNT2 is on the minus strand). VCF-style: chr1-235455602-T-A. GRCh37 (hg19) VCF-style: chr1-235618914-T-A.
Other names: short protein forms I370F.
Identifiers: ClinVar variation 473879 (VCV000473879.5), dbSNP rs1553342963, ClinGen allele CA344957775.